The following is an entry in ClinVar:

NM_001164508.2(NEB):c.24337_24338delinsTGGTAGAGGGGTAGACAGGTAGAG (p.Leu8113delinsTrpTer)

Genes: NEB (nebulin; minus strand), RIF1 (replication timing regulatory factor 1; plus strand). Cytogenetic location: 2q23.3.
Variant type: Indel.
Coding change: c.24337_24338delinsTGGTAGAGGGGTAGACAGGTAGAG on transcript NM_001164508.2 (MANE Select); coding-DNA positions 24337 to 24338, CT replaced by TGGTAGAGGGGTAGACAGGTAGAG.
Protein change: p.Leu8113delinsTrpTer.
Molecular consequence: nonsense. On other transcripts: intron variant (1).
Genome position (GRCh38, 1-based): chr2:151,496,996-151,496,997, AG replaced by CTCTACCTGTCTACCCCTCTACCA on the plus strand (CT replaced by TGGTAGAGGGGTAGACAGGTAGAG on the coding strand, the reverse complement: NEB is on the minus strand). VCF-style: chr2-151496996-AG-CTCTACCTGTCTACCCCTCTACCA. GRCh37 (hg19) VCF-style: chr2-152353510-AG-CTCTACCTGTCTACCCCTCTACCA.
Other names: c.24337_24338delinsTGGTAGAGGGGTAGACAGGTAGAG, p.Leu8113delinsTrpTer (NM_001164507.2); c.24442_24443delinsTGGTAGAGGGGTAGACAGGTAGAG, p.Leu8148delinsTrpTer (NM_001271208.2); c.18826-629_18826-628delinsTGGTAGAGGGGTAGACAGGTAGAG (NM_004543.5).
Identifiers: ClinVar variation 5004695 (VCV005004695.1).

ClinVar aggregate classification (germline): Pathogenic (1 of 4 stars; one submission).

Conditions:
Nemaline myopathy 2 (NEM2). Also called: Nemaline myopathy 2, autosomal recessive. Identifiers: MedGen C1850569, MONDO:0009725, OMIM 256030.

Submission:

Myriad Genetics, Inc.
Classification: Pathogenic for Nemaline myopathy 2. Last evaluated: 2026-05-26. Review status: criteria provided, single submitter. Criteria: Myriad Autosomal Dominant, Autosomal Recessive and X-Linked Classification Criteria (2023). Collection method: clinical testing. Allele origin: unknown.
Comment: NM_001271208.1(NEB):c.24442_24443del2ins24(L8148Wfs*2) is a frameshift variant classified as pathogenic in the context of NEB-related nemaline myopathy. L8148Wfs*2 has not been observed in cases with relevant disease. Relevant functional assessments of this variant are not available in the literature. L8148Wfs*2 has not been observed in referenced population frequency databases. In summary, NM_001271208.1(NEB):c.24442_24443del2ins24(L8148Wfs*2) is a frameshift variant in a gene where loss of function is a known mechanism of disease and is predicted to disrupt protein function. Please note: this variant was assessed in the context of healthy population screening.